The following is an entry in ClinVar:

NM_001131016.2(CIZ1):c.2296-11C>T

Gene: CIZ1 (CDKN1A interacting zinc finger protein 1; minus strand). Cytogenetic location: 9q34.11.
Variant type: single nucleotide variant.
Coding change: c.2296-11C>T on transcript NM_001131016.2 (MANE Select); 11 bases into the intron before coding-DNA position 2296, C replaced by T.
Molecular consequence: intron variant.
Genome position (GRCh38, 1-based): chr9:128,167,175, G>A on the plus strand (C>T on the coding strand, the complement: CIZ1 is on the minus strand). VCF-style: chr9-128167175-G-A. GRCh37 (hg19) VCF-style: chr9-130929454-G-A.
Other names: c.2128-11C>T (NM_001131015.2); c.2296-11C>T (NM_012127.3); c.2464-11C>T (NM_001257975.2); c.1993-11C>T (NM_001257976.2); c.2056-11C>T (NM_001131018.2); c.2113-11C>T (NM_001131017.2).
Identifiers: ClinVar variation 2823593 (VCV002823593.3), dbSNP rs375396341, ClinGen allele CA5257047.

ClinVar aggregate classification (germline): Uncertain significance (1 of 4 stars; one submission).

Conditions:
Dystonic disorder. Also called: Dystonia. Identifiers: MedGen C0013421, MONDO:0003441, HP:0001332.

Allele frequency attached by ClinVar (database versions not stated): gnomAD 0.00005; ESP Exome Variant Server 0.00008; TOPMed 0.00009; gnomAD exomes 0.00011; ExAC 0.00031.
gnomAD v4.1: 161 of 1,563,466 alleles (0.01%); highest among the groups gnomAD compares: Non-Finnish European, 0.013%; no homozygotes.

Submission:

Labcorp Genetics (formerly Invitae), Labcorp
Classification: Uncertain significance for Dystonic disorder. Last evaluated: 2023-02-08. Review status: criteria provided, single submitter. Criteria: Invitae Variant Classification Sherloc (09022015). Collection method: clinical testing. Allele origin: germline.
Comment: In summary, the available evidence is currently insufficient to determine the role of this variant in disease. Therefore, it has been classified as a Variant of Uncertain Significance. Algorithms developed to predict the effect of sequence changes on RNA splicing suggest that this variant may create or strengthen a splice site. This variant has not been reported in the literature in individuals affected with CIZ1-related conditions. This variant is present in population databases (rs375396341, gnomAD 0.02%). This sequence change falls in intron 14 of the CIZ1 gene. It does not directly change the encoded amino acid sequence of the CIZ1 protein.